The following is an entry in ClinVar:

ClinVar aggregate classification (germline): Uncertain significance. Review status: criteria provided, multiple submitters, no conflicts (2 of 4 stars). 2 submissions from 2 submitters: Uncertain significance (2). Last evaluated 2023-01-30.

Conditions:
Inborn genetic diseases. Identifiers: MedGen C0950123, MeSH D030342.

Allele frequency attached by ClinVar (database versions not stated): gnomAD exomes below 0.00001; TOPMed 0.00001.
gnomAD v4.1: 1 of 1,613,758 alleles (0.000062%); highest among the groups gnomAD compares: African/African-American, 0.0013%; no homozygotes.

Submissions (2):

GeneDx
Classification: Uncertain significance. Last evaluated: 2023-01-30. Review status: criteria provided, single submitter. Criteria: GeneDx Variant Classification Process June 2021. Collection method: clinical testing. Allele origin: germline. Affected: yes.
Comment: Not observed at significant frequency in large population cohorts (gnomAD); In silico analysis supports that this missense variant has a deleterious effect on protein structure/function; Has not been previously published as pathogenic or benign to our knowledge

Ambry Genetics
Classification: Uncertain significance for Inborn genetic diseases. Last evaluated: 2020-12-28. Review status: criteria provided, single submitter. Criteria: Ambry Variant Classification Scheme 2023. Collection method: clinical testing. Allele origin: germline.
Comment: The c.3629C>T (p.T1210I) alteration is located in exon 19 (coding exon 19) of the CREBBP gene. This alteration results from a C to T substitution at nucleotide position 3629, causing the threonine (T) at amino acid position 1210 to be replaced by an isoleucine (I). The p.T1210I alteration is predicted to be deleterious by in silico analysis. Based on insufficient or conflicting evidence, the clinical significance of this alteration remains unclear.

NM_004380.3(CREBBP):c.3629C>T (p.Thr1210Ile)

Gene: CREBBP (CREB binding protein; minus strand). Cytogenetic location: 16p13.3.
Variant type: single nucleotide variant.
Coding change: c.3629C>T on transcript NM_004380.3 (MANE Select); coding-DNA position 3629, C replaced by T.
Protein change: p.Thr1210Ile; replaces threonine 1210 with isoleucine.
Molecular consequence: missense variant.
Genome position (GRCh38, 1-based): chr16:3,757,357, G>A on the plus strand (C>T on the coding strand, the complement: CREBBP is on the minus strand). VCF-style: chr16-3757357-G-A. GRCh37 (hg19) VCF-style: chr16-3807358-G-A.
Other names: c.3515C>T, p.Thr1172Ile (NM_001079846.1); short protein forms T1210I, T1172I.
Identifiers: ClinVar variation 2386506 (VCV002386506.5), dbSNP rs866432725, ClinGen allele CA276997467.